The following is an entry in ClinVar:

ClinVar aggregate classification (germline): Pathogenic (1 of 4 stars; one submission).

Conditions:
Aicardi-Goutieres syndrome 5. Identifiers: Orphanet 51, MedGen C2749659, MONDO:0013059, OMIM 612952.

Submission:

Labcorp Genetics (formerly Invitae), Labcorp
Classification: Pathogenic for Aicardi-Goutieres syndrome 5. Last evaluated: 2024-02-08. Review status: criteria provided, single submitter. Criteria: Invitae Variant Classification Sherloc (09022015). Collection method: clinical testing. Allele origin: germline.
Comment: This sequence change creates a premature translational stop signal (p.Thr420Leufs*3) in the SAMHD1 gene. It is expected to result in an absent or disrupted protein product. Loss-of-function variants in SAMHD1 are known to be pathogenic (PMID: 19525956, 22461318). This variant is not present in population databases (gnomAD no frequency). This variant has not been reported in the literature in individuals affected with SAMHD1-related conditions. For these reasons, this variant has been classified as Pathogenic.

Literature cited by the submitters: PubMed 19525956; PubMed 22461318.

NM_015474.4(SAMHD1):c.1254_1257dup (p.Thr420fs)

Gene: SAMHD1 (SAM and HD domain containing deoxynucleoside triphosphate triphosphohydrolase 1; minus strand). Cytogenetic location: 20q11.23.
Variant type: Duplication.
Coding change: c.1254_1257dup on transcript NM_015474.4 (MANE Select); coding-DNA positions 1254 to 1257, 4 bases duplicated (CTAT; older notation c.1254_1257dupCTAT).
Protein change: p.Thr420fs; shifts the reading frame from threonine 420.
Molecular consequence: frameshift variant.
Genome position (GRCh38, 1-based): chr20:36,911,231-36,911,234, ATAG duplicated on the plus strand (CTAT on the coding strand, the reverse complement: SAMHD1 is on the minus strand). VCF-style (leftmost placement, unchanged base first): chr20-36911230-T-TATAG. GRCh37 (hg19) VCF-style: chr20-35539633-T-TATAG.
Other names: c.1254_1257dup, p.Thr420fs (NM_001363729.2, NM_001363733.2); short protein forms T420fs.
Identifiers: ClinVar variation 3639702 (VCV003639702.2).
Genomic context (GRCh38, chr20:36,911,230, plus strand): 5'-TTACAGTTTATCTGAGATGGACCATCTATGTTACCTGTTACTTCTTACCTGTCAGCTTAG[T>TATAG]ATAGGCTTCCATGTCGTCAATTGCTGTAGAAATGCGATACTTTTTTCCTCCAGCACCTGT-3'